The following is an entry in ClinVar:

ClinVar aggregate classification (germline): Conflicting classifications of pathogenicity. Review status: criteria provided, conflicting classifications (1 of 4 stars). 5 submissions from 5 submitters: Uncertain significance (1); Likely benign (4). Last evaluated 2025-09-08.

Conditions:
Marfan syndrome (MFS). Also called: MARFAN SYNDROME, TYPE I; FBN1-Related Marfan Syndrome; Marfan syndrome, classic; Marfan syndrome type 1; Marfan's syndrome. Identifiers: Orphanet 284963, Orphanet 558, MedGen C0024796, MONDO:0007947, OMIM 154700.
Familial thoracic aortic aneurysm and aortic dissection (TAAD). Also called: Thoracic aortic aneurysms and dissections. Identifiers: Orphanet 91387, MedGen C4707243, MONDO:0019625.

Allele frequency attached by ClinVar (database versions not stated): gnomAD exomes below 0.00001 and 0.00001.
gnomAD v4.1: 3 of 1,613,806 alleles (0.00019%); highest among the groups gnomAD compares: Non-Finnish European, 0.00025%; no homozygotes.

Submissions (5):

Color Diagnostics, LLC DBA Color Health
Classification: Likely benign for Familial thoracic aortic aneurysm and aortic dissection. Last evaluated: 2025-09-08. Review status: criteria provided, single submitter. Criteria: ACMG Guidelines, 2015. Collection method: clinical testing. Allele origin: germline.

Ambry Genetics
Classification: Likely benign for Familial thoracic aortic aneurysm and aortic dissection. Last evaluated: 2025-06-15. Review status: criteria provided, single submitter. Criteria: Ambry Variant Classification Scheme 2023. Collection method: clinical testing. Allele origin: germline.

All of Us Research Program, National Institutes of Health
Classification: Uncertain significance for Marfan syndrome. Last evaluated: 2023-11-30. Review status: criteria provided, single submitter. Criteria: ACMG Guidelines, 2015. Collection method: clinical testing. Allele origin: germline. Inheritance: Autosomal dominant inheritance. Observed: 2 variant alleles, 2 heterozygotes.
Comment: This variant is located in the FBN1 protein. To our knowledge, functional studies have not been reported for this variant. This variant has not been reported in individuals affected with FBN1-related disorders in the literature. This variant has been identified in 1/251352 chromosomes in the general population by the Genome Aggregation Database (gnomAD). The available evidence is insufficient to determine the role of this variant in disease conclusively. Therefore, this variant is classified as a Variant of Uncertain Significance.

This study involves interpretation of variants in research participants for the purpose of population health screening. Participant phenotype was not available at the time of variant classification. Additional details can be found in publication PMID: 35346344, PMCID: PMC8962531

Labcorp Genetics (formerly Invitae), Labcorp
Classification: Likely benign for Marfan syndrome; Familial thoracic aortic aneurysm and aortic dissection. Last evaluated: 2022-08-18. Review status: criteria provided, single submitter. Criteria: Invitae Variant Classification Sherloc (09022015). Collection method: clinical testing. Allele origin: germline.

Blueprint Genetics
Classification: Likely benign. Last evaluated: 2021-02-27. Review status: criteria provided, single submitter. Criteria: ACMG Guidelines, 2015. Collection method: clinical testing. Allele origin: germline.

NM_000138.5(FBN1):c.2343T>C (p.Cys781=)

Gene: FBN1 (fibrillin 1; minus strand). Cytogenetic location: 15q21.1.
Variant type: single nucleotide variant.
Coding change: c.2343T>C on transcript NM_000138.5 (MANE Select); coding-DNA position 2343, T replaced by C.
Protein change: p.Cys781=; no amino-acid change (cysteine 781 retained).
Molecular consequence: synonymous variant.
Genome position (GRCh38, 1-based): chr15:48,496,176, A>G on the plus strand (T>C on the coding strand, the complement: FBN1 is on the minus strand). VCF-style: chr15-48496176-A-G. GRCh37 (hg19) VCF-style: chr15-48788373-A-G.
Identifiers: ClinVar variation 263418 (VCV000263418.14), dbSNP rs199647257, ClinGen allele CA10587849.